The following is an entry in ClinVar:

ClinVar aggregate classification (germline): Uncertain significance (1 of 4 stars; one submission).

Allele frequency attached by ClinVar (database versions not stated): gnomAD 0.00001; gnomAD exomes 0.00001; TOPMed 0.00001; ExAC 0.00002.
gnomAD v4.1: 10 of 1,614,012 alleles (0.00062%); highest among the groups gnomAD compares: Non-Finnish European, 0.00076%; no homozygotes.

Submission:

Labcorp Genetics (formerly Invitae), Labcorp
Classification: Uncertain significance. Last evaluated: 2025-07-15. Review status: criteria provided, single submitter. Criteria: Invitae Variant Classification Sherloc (09022015). Collection method: clinical testing. Allele origin: germline.
Comment: This sequence change replaces alanine, which is neutral and non-polar, with valine, which is neutral and non-polar, at codon 120 of the MYLK3 protein (p.Ala120Val). This variant is present in population databases (rs765956381, gnomAD 0.003%). This variant has not been reported in the literature in individuals affected with MYLK3-related conditions. ClinVar contains an entry for this variant (Variation ID: 2792779). An algorithm developed to predict the effect of missense changes on protein structure and function (PolyPhen-2) suggests that this variant is likely to be disruptive. In summary, the available evidence is currently insufficient to determine the role of this variant in disease. Therefore, it has been classified as a Variant of Uncertain Significance.

NM_182493.3(MYLK3):c.359C>T (p.Ala120Val)

Gene: MYLK3 (myosin light chain kinase 3; minus strand). Cytogenetic location: 16q11.2.
Variant type: single nucleotide variant.
Coding change: c.359C>T on transcript NM_182493.3 (MANE Select); coding-DNA position 359, C replaced by T.
Protein change: p.Ala120Val; replaces alanine 120 with valine.
Molecular consequence: missense variant. On other transcripts: intron variant (1).
Genome position (GRCh38, 1-based): chr16:46,747,835, G>A on the plus strand (C>T on the coding strand, the complement: MYLK3 is on the minus strand). VCF-style: chr16-46747835-G-A. GRCh37 (hg19) VCF-style: chr16-46781747-G-A.
Other names: c.-113-7688C>T (NM_001308301.1); short protein forms A120V.
Identifiers: ClinVar variation 2792779 (VCV002792779.3), dbSNP rs765956381, ClinGen allele CA8038271.